The following is an entry in ClinVar:

ClinVar aggregate classification (germline): Uncertain significance (1 of 4 stars; one submission).

Conditions:
Marfan syndrome (MFS). Also called: MARFAN SYNDROME, TYPE I; Marfan syndrome type 1; Marfan's syndrome; FBN1-Related Marfan Syndrome; Marfan syndrome, classic. Identifiers: Orphanet 284963, Orphanet 558, MedGen C0024796, MONDO:0007947, OMIM 154700.

gnomAD v4.1: 6 of 1,614,164 alleles (0.00037%); highest among the groups gnomAD compares: Non-Finnish European, 0.00051%; no homozygotes.

Submission:

All of Us Research Program, National Institutes of Health
Classification: Uncertain significance for Marfan syndrome. Last evaluated: 2024-05-14. Review status: criteria provided, single submitter. Criteria: ACMG Guidelines, 2015. Collection method: clinical testing. Allele origin: germline. Inheritance: Autosomal dominant inheritance. Observed: 1 variant allele, 1 heterozygote.
Comment: This missense variant replaces alanine with glycine at codon 1822 of the FBN1 protein. Computational prediction is inconclusive regarding the impact of this variant on protein structure and function (internally defined REVEL score threshold 0.5 < inconclusive < 0.7, PMID: 27666373). To our knowledge, functional studies have not been reported for this variant. This variant has not been reported in individuals affected with FBN1-related disorders in the literature. This variant has not been identified in the general population by the Genome Aggregation Database (gnomAD). The available evidence is insufficient to determine the role of this variant in disease conclusively. Therefore, this variant is classified as a Variant of Uncertain Significance.

This study involves interpretation of variants in research participants for the purpose of population health screening. Participant phenotype was not available at the time of variant classification. Additional details can be found in publication PMID: 35346344, PMCID: PMC8962531

NM_000138.5(FBN1):c.5465C>G (p.Ala1822Gly)

Gene: FBN1 (fibrillin 1; minus strand). Cytogenetic location: 15q21.1.
Variant type: single nucleotide variant.
Coding change: c.5465C>G on transcript NM_000138.5 (MANE Select); coding-DNA position 5465, C replaced by G.
Protein change: p.Ala1822Gly; replaces alanine 1822 with glycine.
Molecular consequence: missense variant.
Genome position (GRCh38, 1-based): chr15:48,452,642, G>C on the plus strand (C>G on the coding strand, the complement: FBN1 is on the minus strand). VCF-style: chr15-48452642-G-C. GRCh37 (hg19) VCF-style: chr15-48744839-G-C.
Other names: c.5465C>G, p.Ala1822Gly (NM_001406716.1); short protein forms A1822G.
Identifiers: ClinVar variation 3386784 (VCV003386784.1).
Genomic context (GRCh38, chr15:48,452,642, plus strand): 5'-GTGAAGCGGTAGCCGGGCTTACAGTCACAGCGGTAGCTGCCTGCAGTGTTGATGCATTCG[G>C]CGTTGCGCTGGCACACTGGGCCGTTCTGACACTCGTCAATATCTACGAGCAGAAGAGAAC-3'
Protein context (NP_000129.3, residues 1812-1832): CQNGPVCQRN[Ala1822Gly]ECINTAGSYR